The following is an entry in ClinVar:

NM_001517.5(GTF2H4):c.1010G>A (p.Arg337Gln)

Gene: GTF2H4 (general transcription factor IIH subunit 4; plus strand). Cytogenetic location: 6p21.33.
Variant type: single nucleotide variant.
Coding change: c.1010G>A on transcript NM_001517.5 (MANE Select); coding-DNA position 1010, G replaced by A.
Protein change: p.Arg337Gln; replaces arginine 337 with glutamine.
Molecular consequence: missense variant.
Genome position (GRCh38, 1-based): chr6:30,912,379, G>A. VCF-style: chr6-30912379-G-A. GRCh37 (hg19) VCF-style: chr6-30880156-G-A.
Other names: NC_000006.11:g.30880156G>A; short protein forms R337Q.
Identifiers: ClinVar variation 4325115 (VCV004325115.2).

ClinVar aggregate classification (germline): Benign (1 of 4 stars; one submission).

gnomAD v4.1: 22,959 of 1,612,930 alleles (1.4%); highest among the groups gnomAD compares: Non-Finnish European, 1.7%; 212 homozygotes.

Submissions (19):

CeGaT Center for Human Genetics Tuebingen
Classification: Benign. Last evaluated: 2026-07-01. Review status: criteria provided, single submitter. Criteria: CeGaT Center For Human Genetics Tuebingen Variant Classification Criteria Version 2. Collection method: clinical testing. Allele origin: germline. Affected: yes. Observed: 1 variant allele.
Comment: GTF2H4: BS1, BS2

Dr. Peter K. Rogan Lab, Western University
No classification provided (evidence only). Condition: Acute myeloid leukemia. Review status: no classification provided. Collection method: in vitro. Allele origin: not applicable. Functional consequence: retained intron. Not counted in ClinVar's aggregate classification.

Dr. Peter K. Rogan Lab, Western University
No classification provided (evidence only). Condition: Acute myeloid leukemia. Review status: no classification provided. Collection method: in vitro. Allele origin: not applicable. Functional consequence: retained intron. Not counted in ClinVar's aggregate classification.

Dr. Peter K. Rogan Lab, Western University
No classification provided (evidence only). Condition: Acute myeloid leukemia. Review status: no classification provided. Collection method: in vitro. Allele origin: not applicable. Functional consequence: skipped exon. Not counted in ClinVar's aggregate classification.

Dr. Peter K. Rogan Lab, Western University
No classification provided (evidence only). Condition: Sarcoma. Review status: no classification provided. Collection method: in vitro. Allele origin: not applicable. Functional consequence: retained intron. Not counted in ClinVar's aggregate classification.

Dr. Peter K. Rogan Lab, Western University
No classification provided (evidence only). Condition: Ovarian serous cystadenocarcinoma. Review status: no classification provided. Collection method: in vitro. Allele origin: not applicable. Functional consequence: retained intron. Not counted in ClinVar's aggregate classification.

Dr. Peter K. Rogan Lab, Western University
No classification provided (evidence only). Condition: Ovarian serous cystadenocarcinoma. Review status: no classification provided. Collection method: in vitro. Allele origin: not applicable. Functional consequence: retained intron. Not counted in ClinVar's aggregate classification.

Dr. Peter K. Rogan Lab, Western University
No classification provided (evidence only). Condition: Ovarian serous cystadenocarcinoma. Review status: no classification provided. Collection method: in vitro. Allele origin: not applicable. Functional consequence: retained intron. Not counted in ClinVar's aggregate classification.

Dr. Peter K. Rogan Lab, Western University
No classification provided (evidence only). Condition: Ovarian serous cystadenocarcinoma. Review status: no classification provided. Collection method: in vitro. Allele origin: not applicable. Functional consequence: retained intron. Not counted in ClinVar's aggregate classification.

Dr. Peter K. Rogan Lab, Western University
No classification provided (evidence only). Condition: Ovarian serous cystadenocarcinoma. Review status: no classification provided. Collection method: in vitro. Allele origin: not applicable. Functional consequence: retained intron. Not counted in ClinVar's aggregate classification.

Dr. Peter K. Rogan Lab, Western University
No classification provided (evidence only). Condition: Ovarian serous cystadenocarcinoma. Review status: no classification provided. Collection method: in vitro. Allele origin: not applicable. Functional consequence: retained intron. Not counted in ClinVar's aggregate classification.

Dr. Peter K. Rogan Lab, Western University
No classification provided (evidence only). Condition: Ovarian serous cystadenocarcinoma. Review status: no classification provided. Collection method: in vitro. Allele origin: not applicable. Functional consequence: retained intron. Not counted in ClinVar's aggregate classification.

Dr. Peter K. Rogan Lab, Western University
No classification provided (evidence only). Condition: Ovarian serous cystadenocarcinoma. Review status: no classification provided. Collection method: in vitro. Allele origin: not applicable. Functional consequence: retained intron. Not counted in ClinVar's aggregate classification.

Dr. Peter K. Rogan Lab, Western University
No classification provided (evidence only). Condition: Ovarian serous cystadenocarcinoma. Review status: no classification provided. Collection method: in vitro. Allele origin: not applicable. Functional consequence: retained intron. Not counted in ClinVar's aggregate classification.

Dr. Peter K. Rogan Lab, Western University
No classification provided (evidence only). Condition: Gastric cancer. Review status: no classification provided. Collection method: in vitro. Allele origin: not applicable. Functional consequence: retained intron. Not counted in ClinVar's aggregate classification.

Dr. Peter K. Rogan Lab, Western University
No classification provided (evidence only). Condition: Gastric cancer. Review status: no classification provided. Collection method: in vitro. Allele origin: not applicable. Functional consequence: retained intron. Not counted in ClinVar's aggregate classification.

Dr. Peter K. Rogan Lab, Western University
No classification provided (evidence only). Condition: Gastric cancer. Review status: no classification provided. Collection method: in vitro. Allele origin: not applicable. Functional consequence: retained intron. Not counted in ClinVar's aggregate classification.

Dr. Peter K. Rogan Lab, Western University
No classification provided (evidence only). Condition: Adrenocortical carcinoma, hereditary. Review status: no classification provided. Collection method: in vitro. Allele origin: not applicable. Functional consequence: retained intron. Not counted in ClinVar's aggregate classification.

Dr. Peter K. Rogan Lab, Western University
No classification provided (evidence only). Condition: Uveal melanoma. Review status: no classification provided. Collection method: in vitro. Allele origin: not applicable. Functional consequence: retained intron. Not counted in ClinVar's aggregate classification.